The following is an entry in ClinVar:

ClinVar aggregate classification (germline): Uncertain significance (1 of 4 stars; one submission).

Submission:

Labcorp Genetics (formerly Invitae), Labcorp
Classification: Uncertain significance. Last evaluated: 2022-12-23. Review status: criteria provided, single submitter. Criteria: Invitae Variant Classification Sherloc (09022015). Collection method: clinical testing. Allele origin: germline.
Comment: In summary, the available evidence is currently insufficient to determine the role of this variant in disease. Therefore, it has been classified as a Variant of Uncertain Significance. Variants that disrupt the consensus splice site are a relatively common cause of aberrant splicing (PMID: 17576681, 9536098). Algorithms developed to predict the effect of sequence changes on RNA splicing suggest that this variant is not likely to affect RNA splicing. This variant has not been reported in the literature in individuals affected with STAG2-related conditions. This variant is not present in population databases (gnomAD no frequency). This sequence change falls in intron 14 of the STAG2 gene. It does not directly change the encoded amino acid sequence of the STAG2 protein. It affects a nucleotide within the consensus splice site.

Literature cited by the submitters: PubMed 17576681; PubMed 9536098.

NM_001042750.2(STAG2):c.1304+5del

Gene: STAG2 (STAG2 cohesin complex component; plus strand). Cytogenetic location: Xq25.
Variant type: Deletion.
Coding change: c.1304+5del on transcript NM_001042750.2 (MANE Select); 5 bases into the intron after coding-DNA position 1304, one base deleted (A; older notation c.1304+5delA).
Molecular consequence: intron variant.
Genome position (GRCh38, 1-based): chrX:124,056,240, A deleted; the last of 3 consecutive A bases (chrX:124,056,238-124,056,240); deleting any one gives the same sequence. VCF-style (leftmost placement, unchanged base first): chrX-124056237-TA-T. GRCh37 (hg19) VCF-style: chrX-123190087-TA-T.
Other names: c.1304+5del (NM_001042749.2, NM_001375366.1, NM_001375373.1 and 13 more transcripts).
Identifiers: ClinVar variation 2823587 (VCV002823587.3), dbSNP rs2521589050, ClinGen allele CA2739273770.